The following is an entry in ClinVar:

ClinVar aggregate classification (germline): Pathogenic/Likely pathogenic. Review status: criteria provided, multiple submitters, no conflicts (2 of 4 stars). 3 submissions from 3 submitters: Pathogenic (1); Likely pathogenic (1). 1 of the submissions does not count toward it. Last evaluated 2023-11-20.

Conditions:
Aicardi-Goutieres syndrome 4. Identifiers: Orphanet 51, MedGen C1835912, MONDO:0012472, OMIM 610333.
RNASEH2A-related disorder. Also called: RNASEH2A-related condition.

Submissions (3):

Labcorp Genetics (formerly Invitae), Labcorp
Classification: Pathogenic for Aicardi-Goutieres syndrome 4. Last evaluated: 2023-11-20. Review status: criteria provided, single submitter. Criteria: Invitae Variant Classification Sherloc (09022015). Collection method: clinical testing. Allele origin: germline.
Comment: This sequence change creates a premature translational stop signal (p.Glu77Lysfs*37) in the RNASEH2A gene. It is expected to result in an absent or disrupted protein product. Loss-of-function variants in RNASEH2A are known to be pathogenic (PMID: 21454563, 25274781). This variant is not present in population databases (gnomAD no frequency). This variant has not been reported in the literature in individuals affected with RNASEH2A-related conditions. For these reasons, this variant has been classified as Pathogenic.

Juno Genomics, Hangzhou Juno Genomics, Inc
Classification: Likely pathogenic for Aicardi-Goutieres syndrome 4. Review status: criteria provided, single submitter. Criteria: ACMG Guidelines, 2015. Collection method: clinical testing. Allele origin: germline.
Comment: Null variant in a gene where loss of function (LOF) is a known mechanism of disease.;Absent from controls (or at extremely low frequency if recessive) in Genome Aggregation Database.

PreventionGenetics, part of Exact Sciences
Classification: Likely pathogenic for RNASEH2A-related condition. Last evaluated: 2024-03-25. Review status: no assertion criteria provided. Collection method: clinical testing. Allele origin: germline. Not counted in ClinVar's aggregate classification.
Comment: The RNASEH2A c.229delG variant is predicted to result in a frameshift and premature protein termination (p.Glu77Lysfs*37). To our knowledge, this variant has not been reported in the literature in a patient with an RNASEH2A related disorder or in a large population database, indicating this variant is rare. Frameshift variants in RNASEH2A are expected to be pathogenic. This variant is interpreted as likely pathogenic.

Literature cited by the submitters: PubMed 21454563 (cited by Labcorp Genetics (formerly Invitae), Labcorp); PubMed 25274781 (cited by Labcorp Genetics (formerly Invitae), Labcorp).

NM_006397.3(RNASEH2A):c.229del (p.Glu77fs)

Gene: RNASEH2A (ribonuclease H2 subunit A; plus strand). Cytogenetic location: 19p13.13.
Variant type: Deletion.
Coding change: c.229del on transcript NM_006397.3 (MANE Select); coding-DNA position 229, one base deleted (G; older notation c.229delG).
Protein change: p.Glu77fs; shifts the reading frame from glutamic acid 77.
Molecular consequence: frameshift variant.
Genome position (GRCh38, 1-based): chr19:12,807,235, G deleted; the last of 3 consecutive G bases (chr19:12,807,233-12,807,235); deleting any one gives the same sequence. VCF-style (leftmost placement, unchanged base first): chr19-12807232-CG-C. GRCh37 (hg19) VCF-style: chr19-12918046-CG-C.
Other names: short protein forms E77fs.
Identifiers: ClinVar variation 2982412 (VCV002982412.6), dbSNP rs1386586416, ClinGen allele CA783392188.